The following is an entry in ClinVar:

NM_015141.4(GPD1L):c.853-148C>T

Gene: GPD1L (glycerol-3-phosphate dehydrogenase 1 like; plus strand). Cytogenetic location: 3p22.3.
Variant type: single nucleotide variant.
Coding change: c.853-148C>T on transcript NM_015141.4 (MANE Select); 148 bases into the intron before coding-DNA position 853, C replaced by T.
Molecular consequence: intron variant.
Genome position (GRCh38, 1-based): chr3:32,159,420, C>T. VCF-style: chr3-32159420-C-T. GRCh37 (hg19) VCF-style: chr3-32200912-C-T.
Identifiers: ClinVar variation 674021 (VCV000674021.1), dbSNP rs7616454, ClinGen allele CA11402092.

ClinVar aggregate classification (germline): Benign (1 of 4 stars; one submission).

Allele frequency attached by ClinVar (database versions not stated): gnomAD exomes 0.04330; gnomAD 0.05470 and 0.05597; TOPMed 0.05621; 1000 Genomes Project 30x 0.09338; 1000 Genomes Project 0.09665.
gnomAD v4.1: 30,540 of 662,562 alleles (4.6%); highest among the groups gnomAD compares: East Asian, 20%; 1,392 homozygotes.

Submission:

GeneDx
Classification: Benign. Last evaluated: 2018-06-14. Review status: criteria provided, single submitter. Criteria: GeneDx Variant Classification (06012015). Collection method: clinical testing. Allele origin: germline. Affected: yes.
Comment: This variant is considered likely benign or benign based on one or more of the following criteria: it is a conservative change, it occurs at a poorly conserved position in the protein, it is predicted to be benign by multiple in silico algorithms, and/or has population frequency not consistent with disease.